The following is an entry in ClinVar:

ClinVar aggregate classification (germline): Conflicting classifications of pathogenicity. Review status: criteria provided, conflicting classifications (1 of 4 stars). 5 submissions from 5 submitters: Uncertain significance (2); Likely benign (2). 1 of the submissions does not count toward it. Last evaluated 2025-12-11.

Conditions:
Kabuki syndrome. Also called: Kabuki make-up syndrome; NIIKAWA-KUROKI SYNDROME. Identifiers: Orphanet 2322, MedGen C0796004, MONDO:0016512.
KMT2D-related disorder. Also called: KMT2D-Related Disorders.
Kabuki syndrome 1 (KABUK1). Also called: KMT2D-Related Kabuki Syndrome. Identifiers: Orphanet 2322, MedGen CN030661, MONDO:0007843, OMIM 147920.

Submissions (5):

Labcorp Genetics (formerly Invitae), Labcorp
Classification: Likely benign for Kabuki syndrome. Last evaluated: 2025-12-11. Review status: criteria provided, single submitter. Criteria: Invitae Variant Classification Sherloc (09022015). Collection method: clinical testing. Allele origin: germline.

GeneDx
Classification: Likely benign. Last evaluated: 2020-11-13. Review status: criteria provided, single submitter. Criteria: GeneDx Variant Classification Process June 2021. Collection method: clinical testing. Allele origin: germline. Affected: yes.
Comment: This variant is associated with the following publications: (PMID: 29255178)

Center for Human Genetics, Inc
Classification: Uncertain significance for Kabuki syndrome 1. Last evaluated: 2016-11-01. Review status: criteria provided, single submitter. Criteria: ACMG Guidelines, 2015. Collection method: clinical testing. Allele origin: germline. Affected: yes.

Baylor-Hopkins Center for Mendelian Genomics, Johns Hopkins University School of Medicine
Classification: Uncertain significance for Kabuki syndrome 1. Review status: criteria provided, single submitter. Criteria: ACMG Guidelines, 2015. Collection method: research. Allele origin: unknown. Affected: yes. Observed: 1 variant allele.

PreventionGenetics, part of Exact Sciences
Classification: Likely benign for KMT2D-related condition. Last evaluated: 2021-10-13. Review status: no assertion criteria provided. Collection method: clinical testing. Allele origin: germline. Not counted in ClinVar's aggregate classification.
Comment: This variant is classified as likely benign based on ACMG/AMP sequence variant interpretation guidelines (Richards et al. 2015 PMID: 25741868, with internal and published modifications).

Literature cited by the submitters: PubMed 29255178 (cited by Baylor-Hopkins Center for Mendelian Genomics, Johns Hopkins University School of Medicine).

NM_003482.4(KMT2D):c.11568GCA[6] (p.Gln3863dup)

Gene: KMT2D (lysine methyltransferase 2D; minus strand). Cytogenetic location: 12q13.12.
Variant type: Microsatellite.
Coding change: c.11568GCA[6] on transcript NM_003482.4 (MANE Select); six copies in a row of the 3-base unit GCA starting at c.11568; the reference has five copies in a row; one copy, 3 bases duplicated.
Protein change: p.Gln3863dup; duplicates glutamine 3863.
Molecular consequence: inframe insertion.
Genome position (GRCh38, 1-based): chr12:49,033,123-49,033,125, TGC duplicated on the plus strand (GCA on the coding strand, the reverse complement: KMT2D is on the minus strand); duplicating any 3 consecutive bases within chr12:49,033,123-49,033,139 gives the same sequence; the position shown is the placement nearest the transcript's 3' end. VCF-style (leftmost placement, unchanged base first): chr12-49033122-T-TTGC. GRCh37 (hg19) VCF-style: chr12-49426905-T-TTGC.
Identifiers: ClinVar variation 430812 (VCV000430812.11), dbSNP rs748986705, ClinGen allele CA6546309.